The following is an entry in ClinVar:

NM_018122.5(DARS2):c.761G>A (p.Gly254Asp)

Gene: DARS2 (aspartyl-tRNA synthetase 2, mitochondrial; plus strand). Cytogenetic location: 1q25.1.
Variant type: single nucleotide variant.
Coding change: c.761G>A on transcript NM_018122.5 (MANE Select); coding-DNA position 761, G replaced by A.
Protein change: p.Gly254Asp; replaces glycine 254 with aspartic acid.
Molecular consequence: missense variant.
Genome position (GRCh38, 1-based): chr1:173,837,037, G>A. VCF-style: chr1-173837037-G-A. GRCh37 (hg19) VCF-style: chr1-173806175-G-A.
Other names: NM_018122.5(DARS2):c.761G>A; p.Gly254Asp; c.761G>A, p.Gly254Asp (NM_001365212.1, NM_001365213.2); short protein forms G254D.
Identifiers: ClinVar variation 1300137 (VCV001300137.6), dbSNP rs746694330, ClinGen allele CA1250226.

ClinVar aggregate classification (germline): Uncertain significance. Review status: criteria provided, single submitter (1 of 4 stars). 2 submissions from 2 submitters: Uncertain significance (1). 1 of the submissions does not count toward it. Last evaluated 2025-01-21.

Conditions:
Leukoencephalopathy with brain stem and spinal cord involvement-high lactate syndrome (LBSL). Also called: LEUKOENCEPHALOPATHY WITH BRAINSTEM AND SPINAL CORD INVOLVEMENT AND LACTATE ELEVATION, MILD; MITOCHONDRIAL ASPARTYL-tRNA SYNTHETASE DEFICIENCY; Leukoencephalopathy with Brainstem and Spinal Cord Involvement and Lactate Elevation. Identifiers: Orphanet 137898, MedGen C1970180, MONDO:0012622, OMIM 611105.

Allele frequency attached by ClinVar (database versions not stated): gnomAD exomes 0.00001; ExAC 0.00002.
gnomAD v4.1: 10 of 1,613,628 alleles (0.00062%); highest among the groups gnomAD compares: South Asian, 0.0099%; no homozygotes.

Submissions (2):

Broad Center for Mendelian Genomics, Broad Institute of MIT and Harvard
Classification: Uncertain significance for Leukoencephalopathy with brain stem and spinal cord involvement-high lactate syndrome. Last evaluated: 2025-01-21. Review status: criteria provided, single submitter. Criteria: ACMG Guidelines, 2015. Collection method: curation. Allele origin: germline. Inheritance: Autosomal recessive inheritance.
Comment: The p.Gly254Asp in DARS2 has not been previously reported in the literature in individuals with leukoencephalopathy with brain stem and spinal cord involvement-high lactate syndrome, but has been identified in 0.01% (9/91080) of South Asian chromosomes by the Genome Aggregation Database (gnomAD; dbSNP rs746694330). Although this variant has been seen in the general population in a heterozygous state, its frequency is low enough to be consistent with a recessive carrier frequency. This variant has also been reported in ClinVar (Variation ID: 1300137) and has been interpreted as likely pathogenic by Kasturba Medical College (Manipal, India). Computational prediction tools and conservation analyses suggest that this variant may impact the protein, though this information is not predictive enough to determine pathogenicity. In summary, the clinical significance of the p.Gly254Asp variant is uncertain. ACMG/AMP Criteria applied: PP3_moderate, PM2_supporting (Richards 2015).

Kasturba Medical College, Manipal, Kasturba Medical College, Manipal, Manipal Academy of Higher Education, Manipal, India
Classification: Likely pathogenic for Leukoencephalopathy with brain stem and spinal cord involvement and lactate elevation. Review status: no assertion criteria provided. Collection method: clinical testing. Allele origin: germline. Inheritance: Autosomal recessive inheritance. Affected: yes. Observed: 1 compound heterozygote. Not counted in ClinVar's aggregate classification.